The following is an entry in ClinVar:

ClinVar aggregate classification (germline): Conflicting classifications of pathogenicity. Review status: criteria provided, conflicting classifications (1 of 4 stars). 2 submissions from 2 submitters: Uncertain significance (1); Likely benign (1). Last evaluated 2021-08-31.

Conditions:
Cardiovascular phenotype. Identifiers: MedGen CN230736.
Naxos disease (NXD). Also called: PALMOPLANTAR KERATODERMA WITH ARRHYTHMOGENIC RIGHT VENTRICULAR CARDIOMYOPATHY AND WOOLLY HAIR; CARDIOMYOPATHY, ARRHYTHMOGENIC RIGHT VENTRICULAR, WITH SKIN, HAIR, AND NAIL ABNORMALITIES; KERATOSIS PALMOPLANTARIS WITH ARRHYTHMOGENIC CARDIOMYOPATHY; MAL DE NAXOS; WOOLLY HAIR, PALMOPLANTAR KERATODERMA, AND CARDIAC ABNORMALITIES. Identifiers: Orphanet 34217, MedGen C1832600, MONDO:0011017, OMIM 601214.
Arrhythmogenic right ventricular dysplasia 12. Also called: ARRHYTHMOGENIC RIGHT VENTRICULAR DYSPLASIA, FAMILIAL, 12. Identifiers: MedGen C1969081, MONDO:0012684, OMIM 611528.

Allele frequency attached by ClinVar (database versions not stated): gnomAD 0.00001; gnomAD exomes 0.00001; ExAC 0.00002; TOPMed 0.00002; ESP Exome Variant Server 0.00008.
gnomAD v4.1: 15 of 1,613,940 alleles (0.00093%); highest among the groups gnomAD compares: South Asian, 0.0044%; no homozygotes.

Submissions (2):

Labcorp Genetics (formerly Invitae), Labcorp
Classification: Uncertain significance for Arrhythmogenic right ventricular dysplasia 12; Naxos disease. Last evaluated: 2021-08-31. Review status: criteria provided, single submitter. Criteria: Invitae Variant Classification Sherloc (09022015). Collection method: clinical testing. Allele origin: germline.
Comment: This sequence change affects codon 412 of the JUP mRNA. It is a 'silent' change, meaning that it does not change the encoded amino acid sequence of the JUP protein. This variant is present in population databases (rs376391674, ExAC 0.003%). This variant has not been reported in the literature in individuals affected with JUP-related conditions. ClinVar contains an entry for this variant (Variation ID: 519076). Algorithms developed to predict the effect of sequence changes on RNA splicing suggest that this variant may create or strengthen a splice site. In summary, the available evidence is currently insufficient to determine the role of this variant in disease. Therefore, it has been classified as a Variant of Uncertain Significance.

Ambry Genetics
Classification: Likely benign for Cardiovascular phenotype. Last evaluated: 2017-10-20. Review status: criteria provided, single submitter. Criteria: Ambry Variant Classification Scheme 2023. Collection method: clinical testing. Allele origin: germline.

NM_002230.4(JUP):c.1236G>A (p.Thr412=)

Gene: JUP (junction plakoglobin; minus strand). Cytogenetic location: 17q21.2.
Variant type: single nucleotide variant.
Coding change: c.1236G>A on transcript NM_002230.4 (MANE Select); coding-DNA position 1236, G replaced by A.
Protein change: p.Thr412=; no amino-acid change (threonine 412 retained).
Molecular consequence: synonymous variant.
Genome position (GRCh38, 1-based): chr17:41,763,244, C>T on the plus strand (G>A on the coding strand, the complement: JUP is on the minus strand). VCF-style: chr17-41763244-C-T. GRCh37 (hg19) VCF-style: chr17-39919496-C-T.
Other names: c.1236G>A, p.Thr412= (NM_001352773.2, NM_001352774.2, NM_001352775.2 and 3 more transcripts).
Identifiers: ClinVar variation 519076 (VCV000519076.9), dbSNP rs376391674, ClinGen allele CA8565248.